The following is an entry in ClinVar:

NM_000435.3(NOTCH3):c.4201T>C (p.Cys1401Arg)

Genes: NOTCH3 (notch receptor 3; minus strand), LOC130063807 (ATAC-STARR-seq lymphoblastoid silent region 10267; plus strand). Cytogenetic location: 19p13.12.
Variant type: single nucleotide variant.
Coding change: c.4201T>C on transcript NM_000435.3 (MANE Select); coding-DNA position 4201, T replaced by C.
Protein change: p.Cys1401Arg; replaces cysteine 1401 with arginine.
Molecular consequence: missense variant.
Genome position (GRCh38, 1-based): chr19:15,177,727, A>G on the plus strand (T>C on the coding strand, the complement: NOTCH3 is on the minus strand). VCF-style: chr19-15177727-A-G. GRCh37 (hg19) VCF-style: chr19-15288538-A-G.
Other names: short protein forms C1401R.
Identifiers: ClinVar variation 2055744 (VCV002055744.4), dbSNP rs2512637227, ClinGen allele CA404504292.

ClinVar aggregate classification (germline): Uncertain significance (1 of 4 stars; one submission).

Submission:

Labcorp Genetics (formerly Invitae), Labcorp
Classification: Uncertain significance. Last evaluated: 2021-12-25. Review status: criteria provided, single submitter. Criteria: Invitae Variant Classification Sherloc (09022015). Collection method: clinical testing. Allele origin: germline.
Comment: This sequence change replaces cysteine, which is neutral and slightly polar, with arginine, which is basic and polar, at codon 1401 of the NOTCH3 protein (p.Cys1401Arg). In summary, the available evidence is currently insufficient to determine the role of this variant in disease. Therefore, it has been classified as a Variant of Uncertain Significance. Algorithms developed to predict the effect of missense changes on protein structure and function (SIFT, PolyPhen-2, Align-GVGD) all suggest that this variant is likely to be disruptive. This variant has not been reported in the literature in individuals affected with NOTCH3-related conditions. This variant is not present in population databases (gnomAD no frequency).